The following is an entry in ClinVar:

ClinVar aggregate classification (germline): Uncertain significance (1 of 4 stars; one submission).

Submission:

GeneDx
Classification: Uncertain significance. Last evaluated: 2025-08-05. Review status: criteria provided, single submitter. Criteria: GeneDx Variant Classification Process June 2021. Collection method: clinical testing. Allele origin: germline. Affected: yes.
Comment: Not observed at significant frequency in large population cohorts (gnomAD); In silico analysis supports that this missense variant has a deleterious effect on protein structure/function; Has not been previously published as pathogenic or benign to our knowledge; This substitution is predicted to be within the cytoplasmic loop between the first and second homologous domains

NM_001165963.4(SCN1A):c.1477A>G (p.Ser493Gly)

Gene: SCN1A (sodium voltage-gated channel alpha subunit 1; minus strand). Cytogenetic location: 2q24.3.
Variant type: single nucleotide variant.
Coding change: c.1477A>G on transcript NM_001165963.4 (MANE Select); coding-DNA position 1477, A replaced by G.
Protein change: p.Ser493Gly; replaces serine 493 with glycine.
Molecular consequence: missense variant. On other transcripts: 5 prime UTR variant (1), non-coding transcript variant (1).
Genome position (GRCh38, 1-based): chr2:166,045,228, T>C on the plus strand (A>G on the coding strand, the complement: SCN1A is on the minus strand). VCF-style: chr2-166045228-T-C. GRCh37 (hg19) VCF-style: chr2-166901738-T-C.
Other names: c.1477A>G, p.Ser493Gly (NM_001165964.3, NM_001202435.3, NM_001353948.2 and 7 more transcripts); c.1474A>G, p.Ser492Gly (NM_001353954.2, NM_001353955.2, NM_001353960.2); c.-949A>G (NM_001353961.2); short protein forms S492G, S493G.
Identifiers: ClinVar variation 4755955 (VCV004755955.1).
Genomic context (GRCh38, chr2:166,045,228, plus strand): 5'-CCCCACCAGACTGCTCTTTCTGTTTTCTTTTCTTCCTCCGATTTCTTCTTTCCTTAGCAC[T>C]CTTGGAACTCAACTTAGAGGCTTCAGATGAGCTGTCTGAGAGCCTGCCTGCTGCACTGGG-3'
Protein context (NP_001159435.1, residues 483-503): SSEASKLSSK[Ser493Gly]AKERRNRRKK